The following is an entry in ClinVar:

NM_022167.4(XYLT2):c.1242C>T (p.Tyr414=)

Gene: XYLT2 (xylosyltransferase 2; plus strand). Cytogenetic location: 17q21.33.
Variant type: single nucleotide variant.
Coding change: c.1242C>T on transcript NM_022167.4 (MANE Select); coding-DNA position 1242, C replaced by T.
Protein change: p.Tyr414=; no amino-acid change (tyrosine 414 retained).
Molecular consequence: synonymous variant.
Genome position (GRCh38, 1-based): chr17:50,355,934, C>T. VCF-style: chr17-50355934-C-T. GRCh37 (hg19) VCF-style: chr17-48433295-C-T.
Identifiers: ClinVar variation 1904255 (VCV001904255.11), dbSNP rs547078497, ClinGen allele CA8646403.
Genomic context (GRCh38, chr17:50,355,934, plus strand): 5'-GGTGGATGGCGGTTCTGACTGGTTCGTGCTGACACGCAGCTTTGTGGAGTATGTGGTGTA[C>T]ACAGATGACCCGCTTGTGGCCCAGCTGCGCCAGTTCTACACATACACACTGCTCCCAGCC-3'
Protein context (NP_071450.2, residues 404-424): LTRSFVEYVV[Tyr414=]TDDPLVAQLR

ClinVar aggregate classification (germline): Likely benign. Review status: criteria provided, multiple submitters, no conflicts (2 of 4 stars). 3 submissions from 3 submitters: Likely benign (2). 1 of the submissions does not count toward it. Last evaluated 2025-12-01.

Conditions:
XYLT2-related disorder. Also called: XYLT2-related condition.

Allele frequency attached by ClinVar (database versions not stated): ExAC 0.00002; gnomAD 0.00003; gnomAD exomes 0.00005; TOPMed 0.00005.

Submissions (3):

CeGaT Center for Human Genetics Tuebingen
Classification: Likely benign. Last evaluated: 2025-12-01. Review status: criteria provided, single submitter. Criteria: CeGaT Center For Human Genetics Tuebingen Variant Classification Criteria Version 2. Collection method: clinical testing. Allele origin: germline. Affected: yes. Observed: 1 variant allele.
Comment: XYLT2: BP4, BP7

Labcorp Genetics (formerly Invitae), Labcorp
Classification: Likely benign. Last evaluated: 2024-01-22. Review status: criteria provided, single submitter. Criteria: Invitae Variant Classification Sherloc (09022015). Collection method: clinical testing. Allele origin: germline.

PreventionGenetics, part of Exact Sciences
Classification: Likely benign for XYLT2-related condition. Last evaluated: 2019-11-22. Review status: no assertion criteria provided. Collection method: clinical testing. Allele origin: germline. Not counted in ClinVar's aggregate classification.
Comment: This variant is classified as likely benign based on ACMG/AMP sequence variant interpretation guidelines (Richards et al. 2015 PMID: 25741868, with internal and published modifications).